The following is an entry in ClinVar:

ClinVar aggregate classification (germline): Uncertain significance (1 of 4 stars; one submission).

gnomAD v4.1: 2 of 1,597,676 alleles (0.00013%); highest among the groups gnomAD compares: African/African-American, 0.0027%; no homozygotes.

Submission:

Labcorp Genetics (formerly Invitae), Labcorp
Classification: Uncertain significance. Last evaluated: 2025-07-11. Review status: criteria provided, single submitter. Criteria: Invitae Variant Classification Sherloc (09022015). Collection method: clinical testing. Allele origin: germline.
Comment: This sequence change replaces lysine, which is basic and polar, with glutamic acid, which is acidic and polar, at codon 1170 of the FMN1 protein (p.Lys1170Glu). This variant is not present in population databases (gnomAD no frequency). This variant has not been reported in the literature in individuals affected with FMN1-related conditions. An algorithm developed to predict the effect of missense changes on protein structure and function (PolyPhen-2) suggests that this variant is likely to be disruptive. In summary, the available evidence is currently insufficient to determine the role of this variant in disease. Therefore, it has been classified as a Variant of Uncertain Significance.

NM_001277313.2(FMN1):c.4177A>G (p.Lys1393Glu)

Gene: FMN1 (formin 1; minus strand). Cytogenetic location: 15q13.3.
Variant type: single nucleotide variant.
Coding change: c.4177A>G on transcript NM_001277313.2 (MANE Select); coding-DNA position 4177, A replaced by G.
Protein change: p.Lys1393Glu; replaces lysine 1393 with glutamic acid.
Molecular consequence: missense variant.
Genome position (GRCh38, 1-based): chr15:32,776,873, T>C on the plus strand (A>G on the coding strand, the complement: FMN1 is on the minus strand). VCF-style: chr15-32776873-T-C. GRCh37 (hg19) VCF-style: chr15-33069074-T-C.
Other names: c.3508A>G, p.Lys1170Glu (NM_001103184.4); short protein forms K1170E, K1393E.
Identifiers: ClinVar variation 4809274 (VCV004809274.1).
Genomic context (GRCh38, chr15:32,776,873, plus strand): 5'-TATGTTGAAAAATATATCTCACCAGGCTAGCAGTGGGATTGATTTTCTTTGTCTCCACTT[T>C]CTTCTCTGAAGTCAACTTGCTGACTGATTCCTGAGCCATTTTCAATCTGAAATAGAAATA-3'
Protein context (NP_001264242.1, residues 1383-1403): ESVSKLTSEK[Lys1393Glu]VETKKINPTA